The following is an entry in ClinVar:

ClinVar aggregate classification (germline): Uncertain significance. Review status: criteria provided, multiple submitters, no conflicts (2 of 4 stars). 2 submissions from 2 submitters: Uncertain significance (2). Last evaluated 2023-11-16.

Conditions:
Dyskeratosis congenita. Identifiers: Orphanet 1775, MedGen C0265965, MONDO:0015780.
Dyskeratosis congenita, autosomal dominant 2. Identifiers: MedGen C3151443, MONDO:0013521, OMIM 613989.

Submissions (2):

Baylor Genetics
Classification: Uncertain significance for Dyskeratosis congenita, autosomal dominant 2. Last evaluated: 2023-11-16. Review status: criteria provided, single submitter. Criteria: ACMG Guidelines, 2015. Collection method: clinical testing. Allele origin: unknown.

Ambry Genetics
Classification: Uncertain significance for Dyskeratosis congenita. Last evaluated: 2023-03-17. Review status: criteria provided, single submitter. Criteria: Ambry Variant Classification Scheme 2023. Collection method: clinical testing. Allele origin: germline.
Comment: The p.E90D variant (also known as c.270G>C), located in coding exon 2 of the TERT gene, results from a G to C substitution at nucleotide position 270. The glutamic acid at codon 90 is replaced by aspartic acid, an amino acid with highly similar properties. This amino acid position is conserved. In addition, the in silico prediction for this alteration is inconclusive. Since supporting evidence is limited at this time, the clinical significance of this alteration remains unclear.

NM_198253.3(TERT):c.270G>C (p.Glu90Asp)

Gene: TERT (telomerase reverse transcriptase; minus strand). Cytogenetic location: 5p15.33.
Variant type: single nucleotide variant.
Coding change: c.270G>C on transcript NM_198253.3 (MANE Select); coding-DNA position 270, G replaced by C.
Protein change: p.Glu90Asp; replaces glutamic acid 90 with aspartic acid.
Molecular consequence: missense variant. On other transcripts: non-coding transcript variant (2).
Genome position (GRCh38, 1-based): chr5:1,294,616, C>G on the plus strand (G>C on the coding strand, the complement: TERT is on the minus strand). VCF-style: chr5-1294616-C-G. GRCh37 (hg19) VCF-style: chr5-1294731-C-G.
Other names: c.270G>C, p.Glu90Asp (NM_001193376.3, NM_003219.1); short protein forms E90D.
Identifiers: ClinVar variation 3238576 (VCV003238576.2), dbSNP rs1751268971.